The following is an entry in ClinVar:

NM_003070.5(SMARCA2):c.500C>G (p.Pro167Arg)

Gene: SMARCA2 (SWI/SNF related BAF chromatin remodeling complex subunit ATPase 2; plus strand). Cytogenetic location: 9p24.3.
Variant type: single nucleotide variant.
Coding change: c.500C>G on transcript NM_003070.5 (MANE Select); coding-DNA position 500, C replaced by G.
Protein change: p.Pro167Arg; replaces proline 167 with arginine.
Molecular consequence: missense variant.
Genome position (GRCh38, 1-based): chr9:2,039,610, C>G. VCF-style: chr9-2039610-C-G. GRCh37 (hg19) VCF-style: chr9-2039610-C-G.
Other names: c.500C>G, p.Pro167Arg (NM_001289396.2, NM_001289397.2, NM_139045.4); short protein forms P167R.
Identifiers: ClinVar variation 2307437 (VCV002307437.2), dbSNP rs376294726, ClinGen allele CA4962873.
Genomic context (GRCh38, chr9:2,039,610, plus strand): 5'-AGATGCCACCAAGCCAGCCGGGGGCCCTCATCCCAGGTGATCCGCAGGCCATGAGCCAGC[C>G]CAACAGAGGTCCCTCACCTTTCAGTCCTGTCCAGCTGCATCAGCTTCGAGCTCAGATTTT-3'
Protein context (NP_003061.3, residues 157-177): IPGDPQAMSQ[Pro167Arg]NRGPSPFSPV

ClinVar aggregate classification (germline): Uncertain significance (1 of 4 stars; one submission).

Conditions:
Inborn genetic diseases. Identifiers: MedGen C0950123, MeSH D030342.

Allele frequency attached by ClinVar (database versions not stated): TOPMed below 0.00001; ExAC 0.00001; ESP Exome Variant Server 0.00008.

Submission:

Ambry Genetics
Classification: Uncertain significance for Inborn genetic diseases. Last evaluated: 2022-08-16. Review status: criteria provided, single submitter. Criteria: Ambry Variant Classification Scheme 2023. Collection method: clinical testing. Allele origin: germline.
Comment: The c.500C>G (p.P167R) alteration is located in exon 4 (coding exon 3) of the SMARCA2 gene. This alteration results from a C to G substitution at nucleotide position 500, causing the proline (P) at amino acid position 167 to be replaced by an arginine (R). Based on data from gnomAD, the G allele has an overall frequency of <0.001% (1/251470) total alleles studied. The highest observed frequency was 0.006% (1/16256) of African alleles. This amino acid position is not well conserved in available vertebrate species. This alteration is predicted to be tolerated by in silico analysis. Based on insufficient or conflicting evidence, the clinical significance of this alteration remains unclear.